The following is an entry in ClinVar:

NM_000458.4(HNF1B):c.998G>T (p.Gly333Val)

Gene: HNF1B (HNF1 homeobox B; minus strand). Cytogenetic location: 17q12.
Variant type: single nucleotide variant.
Coding change: c.998G>T on transcript NM_000458.4 (MANE Select); coding-DNA position 998, G replaced by T.
Protein change: p.Gly333Val; replaces glycine 333 with valine.
Molecular consequence: missense variant.
Genome position (GRCh38, 1-based): chr17:37,731,642, C>A on the plus strand (G>T on the coding strand, the complement: HNF1B is on the minus strand). VCF-style: chr17-37731642-C-A. GRCh37 (hg19) VCF-style: chr17-36091633-C-A.
Other names: c.920G>T, p.Gly307Val (NM_001165923.4, NM_001304286.2); c.998G>T, p.Gly333Val (NM_001411100.1); short protein forms G307V, G333V.
Identifiers: ClinVar variation 2716399 (VCV002716399.3), dbSNP rs1389007691, ClinGen allele CA398746231.
Genomic context (GRCh38, chr17:37,731,642, plus strand): 5'-AACCTTTGCTTACCTGACAGCTTGTTTGGAGGAGAGGAGCTGGGCTGGTGGTGGGGGGAG[C>A]CGTGGGAGAGCAGAGGGTTCAGGCTGTGAGTCTGGTTGGAGCTATAGGCGTCCATGGCCA-3'
Protein context (NP_000449.1, residues 323-343): THSLNPLLSH[Gly333Val]SPHHQPSSSP

ClinVar aggregate classification (germline): Uncertain significance (1 of 4 stars; one submission).

Allele frequency attached by ClinVar (database versions not stated): gnomAD exomes below 0.00001.
gnomAD v4.1: 2 of 1,613,926 alleles (0.00012%); highest among the groups gnomAD compares: Non-Finnish European, 0.00017%; no homozygotes.

Submission:

Labcorp Genetics (formerly Invitae), Labcorp
Classification: Uncertain significance. Last evaluated: 2023-12-28. Review status: criteria provided, single submitter. Criteria: Invitae Variant Classification Sherloc (09022015). Collection method: clinical testing. Allele origin: germline.
Comment: This sequence change replaces glycine, which is neutral and non-polar, with valine, which is neutral and non-polar, at codon 333 of the HNF1B protein (p.Gly333Val). This variant is present in population databases (no rsID available, gnomAD 0.0009%). This variant has not been reported in the literature in individuals affected with HNF1B-related conditions. Advanced modeling of protein sequence and biophysical properties (such as structural, functional, and spatial information, amino acid conservation, physicochemical variation, residue mobility, and thermodynamic stability) performed at Invitae indicates that this missense variant is not expected to disrupt HNF1B protein function with a negative predictive value of 80%. In summary, the available evidence is currently insufficient to determine the role of this variant in disease. Therefore, it has been classified as a Variant of Uncertain Significance.